The following is an entry in ClinVar:

ClinVar aggregate classification (germline): Likely pathogenic (1 of 4 stars; one submission).

Conditions:
Ehlers-Danlos syndrome due to tenascin-X deficiency (EDSCLL1). Also called: EHLERS-DANLOS SYNDROME, CLASSIC-LIKE; Ehlers-Danlos syndrome, classic-like, 1; TNX DEFICIENCY; TNXB-Related Classical-Like Ehlers-Danlos Syndrome; EDS DUE TO TNX DEFICIENCY. Identifiers: Orphanet 230839, MedGen C1848029, MONDO:0011670, OMIM 606408.

Submission:

Juno Genomics, Hangzhou Juno Genomics, Inc
Classification: Likely pathogenic for Ehlers-Danlos syndrome due to tenascin-X deficiency. Review status: criteria provided, single submitter. Criteria: ACMG Guidelines, 2015. Collection method: clinical testing. Allele origin: germline.
Comment: Null variant in a gene where loss of function (LOF) is a known mechanism of disease.;Absent from controls (or at extremely low frequency if recessive) in Genome Aggregation Database.

NM_001365276.2(TNXB):c.662dup (p.Asp221fs)

Gene: TNXB (tenascin XB; minus strand). Cytogenetic location: 6p21.33.
Variant type: Duplication.
Coding change: c.662dup on transcript NM_001365276.2 (MANE Select); coding-DNA position 662, one base duplicated (A; older notation c.662dupA).
Protein change: p.Asp221fs; shifts the reading frame from aspartic acid 221.
Molecular consequence: frameshift variant.
Genome position (GRCh38, 1-based): chr6:32,097,191, T duplicated on the plus strand (A on the coding strand, the reverse complement: TNXB is on the minus strand). VCF-style (leftmost placement, unchanged base first): chr6-32097190-G-GT. GRCh37 (hg19) VCF-style: chr6-32064967-G-GT.
Other names: c.662dup, p.Asp221fs (NM_001428335.1, NM_019105.8); short protein forms D221fs.
Identifiers: ClinVar variation 5007035 (VCV005007035.2).